The following is an entry in ClinVar:

ClinVar aggregate classification (germline): Conflicting classifications of pathogenicity. Review status: criteria provided, conflicting classifications (1 of 4 stars). 7 submissions from 7 submitters: Uncertain significance (5); Likely benign (1). 1 of the submissions does not count toward it. Last evaluated 2025-12-29.

Conditions:
Hereditary cancer-predisposing syndrome. Also called: Tumor predisposition; Hereditary Cancer Syndrome; Hereditary neoplastic syndrome; Neoplastic Syndromes, Hereditary. Identifiers: Orphanet 140162, MedGen C0027672, MeSH D009386, MONDO:0015356.
Ataxia-telangiectasia syndrome (AT). Also called: LOUIS-BAR SYNDROME; Cerebello-oculocutaneous telangiectasia; Immunodeficiency with ataxia telangiectasia; ATAXIA-TELANGIECTASIA, COMPLEMENTATION GROUP A; ATAXIA-TELANGIECTASIA, FRESNO VARIANT; Ataxia-telangiectasia. Identifiers: Orphanet 100, MedGen C0004135, MONDO:0008840, OMIM 208900.

Allele frequency attached by ClinVar (database versions not stated): gnomAD exomes below 0.00001 and 0.00001; TOPMed 0.00001; gnomAD 0.00002.
gnomAD v4.1: 19 of 1,611,888 alleles (0.0012%); highest among the groups gnomAD compares: Non-Finnish European, 0.0014%; no homozygotes.

Submissions (7):

Labcorp Genetics (formerly Invitae), Labcorp
Classification: Uncertain significance for Ataxia-telangiectasia syndrome. Last evaluated: 2025-12-29. Review status: criteria provided, single submitter. Criteria: Invitae Variant Classification Sherloc (09022015). Collection method: clinical testing. Allele origin: germline.
Comment: This sequence change replaces isoleucine, which is neutral and non-polar, with valine, which is neutral and non-polar, at codon 598 of the ATM protein (p.Ile598Val). This variant is present in population databases (rs730881343, gnomAD 0.003%). This missense change has been observed in individual(s) with breast cancer (PMID: 22420423). ClinVar contains an entry for this variant (Variation ID: 181921). Invitae Evidence Modeling of protein sequence and biophysical properties (such as structural, functional, and spatial information, amino acid conservation, physicochemical variation, residue mobility, and thermodynamic stability) indicates that this missense variant is not expected to disrupt ATM protein function with a negative predictive value of 95%. In summary, the available evidence is currently insufficient to determine the role of this variant in disease. Therefore, it has been classified as a Variant of Uncertain Significance.

Quest Diagnostics Nichols Institute San Juan Capistrano
Classification: Uncertain significance. Last evaluated: 2025-08-22. Review status: criteria provided, single submitter. Criteria: Quest Diagnostics criteria. Collection method: clinical testing. Allele origin: unknown.

Color Diagnostics, LLC DBA Color Health
Classification: Uncertain significance for Hereditary cancer-predisposing syndrome. Last evaluated: 2025-08-05. Review status: criteria provided, single submitter. Criteria: ACMG Guidelines, 2015. Collection method: clinical testing. Allele origin: germline.
Comment: This missense variant replaces isoleucine with valine at codon 598 of the ATM protein. Computational prediction suggests that this variant may not impact protein structure and function. To our knowledge, functional studies have not been reported for this variant. This variant has been reported in an individual affected with breast cancer (PMID: 22420423) and in a breast cancer case-control meta-analysis in 1/60466 cases and 5/53461 unaffected individuals (PMID: 33471991Leiden Open Variation Database DB-ID ATM_001945). This variant also has been reported in a prostate cancer case-control study in 1/7636 prostate cancer cases and 0/12366 unaffected individuals (PMID: 31214711). This variant has been identified in 1/249850 chromosomes in the general population by the Genome Aggregation Database (gnomAD). The available evidence is insufficient to determine the role of this variant in disease conclusively. Therefore, this variant is classified as a Variant of Uncertain Significance.

GeneDx
Classification: Uncertain significance. Last evaluated: 2023-12-01. Review status: criteria provided, single submitter. Criteria: GeneDx Variant Classification Process June 2021. Collection method: clinical testing. Allele origin: germline. Affected: yes.
Comment: Not observed at significant frequency in large population cohorts (gnomAD); In silico analysis supports that this missense variant does not alter protein structure/function; This variant is associated with the following publications: (PMID: 22420423, 29641532, 36243179, 32055024)

Ambry Genetics
Classification: Likely benign for Hereditary cancer-predisposing syndrome. Last evaluated: 2023-11-28. Review status: criteria provided, single submitter. Criteria: Ambry Variant Classification Scheme 2023. Collection method: clinical testing. Allele origin: germline.

Women's Health and Genetics/Laboratory Corporation of America, LabCorp
Classification: Uncertain significance. Last evaluated: 2017-10-12. Review status: criteria provided, single submitter. Criteria: LabCorp Variant Classification Summary - May 2015. Collection method: clinical testing. Allele origin: germline.
Comment: Variant summary: The c.1792A>G (p.Ile598Val) in ATM gene is a missense variant involves a non-conserved nucleotide and 5/5 in silico tools predict benign outcome. The variant is located outside of any known domain or repeat, and no functional studied suggesting the impact of this change on protein function were published at the time of evaluation. The c.1792A>G is present in the control population dataset of gnomAD at a low frequency of 0.000004 (1/ 245020 chrs tested), which frequency does not exceed the maximum expected allele frequency for a pathogenic variant of 0.001. The variant has been reported in at least one brC patient without strong evidence for causality. Lastly, the variant of interest is cited as VUS by reputable databases/clinical laboratories. Taken together, due to the lack of supportive evidence, the variant was classified as VUS, until new information becomes available.

Natera, Inc.
Classification: Uncertain significance for Ataxia-telangiectasia. Last evaluated: 2020-08-28. Review status: no assertion criteria provided. Collection method: clinical testing. Allele origin: germline. Not counted in ClinVar's aggregate classification.

Literature cited by the submitters: PubMed 22420423 (cited by 4 submitters); PubMed 31214711 (cited by Color Diagnostics, LLC DBA Color Health); PubMed 33471991 (cited by Color Diagnostics, LLC DBA Color Health); PubMed 29641532 (cited by Ambry Genetics).

NM_000051.4(ATM):c.1792A>G (p.Ile598Val)

Gene: ATM (ATM serine/threonine kinase; plus strand). Cytogenetic location: 11q22.3.
Variant type: single nucleotide variant.
Coding change: c.1792A>G on transcript NM_000051.4 (MANE Select); coding-DNA position 1792, A replaced by G.
Protein change: p.Ile598Val; replaces isoleucine 598 with valine.
Molecular consequence: missense variant.
Genome position (GRCh38, 1-based): chr11:108,252,021, A>G. VCF-style: chr11-108252021-A-G. GRCh37 (hg19) VCF-style: chr11-108122748-A-G.
Other names: p.I598V:ATT>GTT; c.1792A>G, p.Ile598Val (NM_001351834.2); short protein forms I598V.
Identifiers: ClinVar variation 181921 (VCV000181921.30), dbSNP rs730881343, ClinGen allele CA298147.